The following is an entry in ClinVar:

NM_007078.3(LDB3):c.948_957dup (p.Ser320fs)

Gene: LDB3 (LIM domain binding 3; plus strand). Cytogenetic location: 10q23.2.
Variant type: Duplication.
Coding change: c.948_957dup on transcript NM_007078.3 (MANE Select); coding-DNA positions 948 to 957, 10 bases duplicated (GCTGCCCGCT; older notation c.948_957dupGCTGCCCGCT).
Protein change: p.Ser320fs; shifts the reading frame from serine 320.
Molecular consequence: frameshift variant. On other transcripts: intron variant (4).
Genome position (GRCh38, 1-based): chr10:86,706,582-86,706,591, GCTGCCCGCT duplicated; duplicating any 10 consecutive bases within chr10:86,706,576-86,706,591 gives the same sequence; the c. name uses the placement nearest the transcript's 3' end. VCF-style (leftmost placement, unchanged base first): chr10-86706575-C-CCCCGCTGCTG. GRCh37 (hg19) VCF-style: chr10-88466332-C-CCCCGCTGCTG.
Other names: c.807_816dup, p.Ser273fs (NM_001368066.1); c.897-3323_897-3314dup (NM_001368064.1, NM_001368065.1); c.1101-3323_1101-3314dup (NM_001171610.2); c.756-3323_756-3314dup (NM_001080114.2); c.948_957dupGCTGCCCGCT (NM_007078.2); short protein forms S273fs, S320fs.
Identifiers: ClinVar variation 1767097 (VCV001767097.5), dbSNP rs760482922, ClinGen allele CA669467361.

ClinVar aggregate classification (germline): Conflicting classifications of pathogenicity. Review status: criteria provided, conflicting classifications (1 of 4 stars). 2 submissions from 2 submitters: Pathogenic (1); Uncertain significance (1). Last evaluated 2025-03-25.

Conditions:
Cardiovascular phenotype. Identifiers: MedGen CN230736.
Myofibrillar myopathy 4. Also called: Zaspopathy (type). Identifiers: Orphanet 98912, MedGen C4721886, MONDO:0012277, OMIM 609452.

Submissions (2):

Ambry Genetics
Classification: Uncertain significance for Cardiovascular phenotype. Last evaluated: 2025-03-25. Review status: criteria provided, single submitter. Criteria: Ambry Variant Classification Scheme 2023. Collection method: clinical testing. Allele origin: germline.
Comment: The c.948_957dup10 variant, located in coding exon 7 of the LDB3 gene, results from a duplication of GCTGCCCGCT at nucleotide position 948, causing a translational frameshift with a predicted alternate stop codon (p.S320Afs*70). This alteration is expected to result in premature protein truncation or nonsense-mediated mRNA decay. However, loss of function of LDB3 has not been clearly established as a mechanism of disease. Based on the available evidence, the clinical significance of this variant remains unclear.

Labcorp Genetics (formerly Invitae), Labcorp
Classification: Pathogenic for Myofibrillar myopathy 4. Last evaluated: 2024-11-03. Review status: criteria provided, single submitter. Criteria: Invitae Variant Classification Sherloc (09022015). Collection method: clinical testing. Allele origin: germline.
Comment: The LDB3 gene has multiple clinically relevant transcripts. This variant occurs in alternate transcript NM_007078.3, and corresponds to NM_001080116.1:c.*7217_*7218insGCTGCCCGCT in the primary transcript. This sequence change creates a premature translational stop signal (p.Ser320Alafs*70) in the LDB3 gene. It is expected to result in an absent or disrupted protein product. Loss-of-function variants in LDB3 are known to be pathogenic (PMID: 36253531). This variant is not present in population databases (gnomAD no frequency). This variant has not been reported in the literature in individuals affected with LDB3-related conditions. For these reasons, this variant has been classified as Pathogenic.

Literature cited by the submitters: PubMed 36253531 (cited by Labcorp Genetics (formerly Invitae), Labcorp).